The following is an entry in ClinVar:

NM_001394062.1(MACF1):c.13696C>T (p.Gln4566Ter)

Gene: MACF1 (microtubule actin crosslinking factor 1; plus strand). Cytogenetic location: 1p34.3.
Variant type: single nucleotide variant.
Coding change: c.13696C>T on transcript NM_001394062.1 (MANE Select); coding-DNA position 13696, C replaced by T.
Protein change: p.Gln4566Ter; replaces glutamine 4566 with a stop codon.
Molecular consequence: nonsense.
Genome position (GRCh38, 1-based): chr1:39,382,000, C>T. VCF-style: chr1-39382000-C-T. GRCh37 (hg19) VCF-style: chr1-39847672-C-T.
Other names: c.7510C>T, p.Gln2504Ter (NM_012090.5); short protein forms Q2504*, Q4566*.
Identifiers: ClinVar variation 4076705 (VCV004076705.1).

ClinVar aggregate classification (germline): Uncertain significance (1 of 4 stars; one submission).

Submission:

GeneDx
Classification: Uncertain significance. Last evaluated: 2025-02-25. Review status: criteria provided, single submitter. Criteria: GeneDx Variant Classification Process June 2021. Collection method: clinical testing. Allele origin: germline. Affected: yes.
Comment: Not observed at significant frequency in large population cohorts (gnomAD); Nonsense variant predicted to result in protein truncation or nonsense mediated decay in a gene or region of a gene for which loss of function is not a well-established mechanism of disease; Has not been previously published as pathogenic or benign to our knowledge